The following is an entry in ClinVar:

ClinVar aggregate classification (germline): Pathogenic (1 of 4 stars; one submission).

Conditions:
Glycine encephalopathy. Also called: Non-ketotic hyperglycinemia; Nonketotic hyperglycinemia. Identifiers: Orphanet 407, MedGen C0751748, MONDO:0011612, HP:0008288.

Submission:

Labcorp Genetics (formerly Invitae), Labcorp
Classification: Pathogenic for Glycine encephalopathy. Last evaluated: 2023-09-21. Review status: criteria provided, single submitter. Criteria: Invitae Variant Classification Sherloc (09022015). Collection method: clinical testing. Allele origin: germline.
Comment: This variant is a gross deletion of the genomic region encompassing exon(s) 1-11 of the GLDC gene, which includes the initiator codon. This deletion extends beyond the assayed region for this gene and therefore may encompass additional genes. It is expected to result in an absent or disrupted protein product. Loss-of-function variants in GLDC are known to be pathogenic (PMID: 16601880). This variant has not been reported in the literature in individuals affected with GLDC-related conditions. For these reasons, this variant has been classified as Pathogenic.

Literature cited by the submitters: PubMed 16601880.

NC_000009.11:g.(?_6592123)_(6645499_?)del

Gene: GLDC (glycine decarboxylase; minus strand). Cytogenetic location: 9p24.1.
Variant type: Deletion.
Identifiers: ClinVar variation 1459358 (VCV001459358.8).